The following is an entry in ClinVar:

NM_001127222.2(CACNA1A):c.6562G>A (p.Gly2188Arg)

Gene: CACNA1A (calcium voltage-gated channel subunit alpha1 A; minus strand). Cytogenetic location: 19p13.13.
Variant type: single nucleotide variant.
Coding change: c.6562G>A on transcript NM_001127222.2 (MANE Select); coding-DNA position 6562, G replaced by A.
Protein change: p.Gly2188Arg; replaces glycine 2188 with arginine.
Molecular consequence: missense variant.
Genome position (GRCh38, 1-based): chr19:13,208,974, C>T on the plus strand (G>A on the coding strand, the complement: CACNA1A is on the minus strand). VCF-style: chr19-13208974-C-T. GRCh37 (hg19) VCF-style: chr19-13319788-C-T.
Other names: c.6580G>A, p.Gly2194Arg (NM_000068.4, NM_023035.3); c.6565G>A, p.Gly2189Arg (NM_001127221.2); c.6571G>A, p.Gly2191Arg (NM_001174080.2); short protein forms G2194R, G2188R, G2191R, G2189R.
Identifiers: ClinVar variation 1426972 (VCV001426972.12), dbSNP rs965819293, ClinGen allele CA305547701.

ClinVar aggregate classification (germline): Uncertain significance. Review status: criteria provided, multiple submitters, no conflicts (2 of 4 stars). 3 submissions from 3 submitters: Uncertain significance (3). Last evaluated 2026-08-16.

Conditions:
Episodic ataxia type 2 (EA2). Also called: ATAXIA, EPISODIC, WITH NYSTAGMUS; ATAXIA, FAMILIAL PAROXYSMAL; CEREBELLAR ATAXIA, PAROXYSMAL, ACETAZOLAMIDE-RESPONSIVE; CEREBELLOPATHY, HEREDITARY PAROXYSMAL; EPISODIC ATAXIA, NYSTAGMUS-ASSOCIATED; ACETAZOLAMIDE-RESPONSIVE HEREDITARY PAROXYSMAL CEREBELLAR ATAXIA. Identifiers: Orphanet 97, MedGen C1720416, MONDO:0007163, OMIM 108500.
Developmental and epileptic encephalopathy, 42 (DEE42A). Also called: Epileptic encephalopathy, early infantile, 42; DEVELOPMENTAL AND EPILEPTIC ENCEPHALOPATHY 42A; EPILEPTIC ENCEPHALOPATHY, EARLY INFANTILE, 42A. Identifiers: MedGen C4310716, MONDO:0014917, OMIM 617106.

Allele frequency attached by ClinVar (database versions not stated): gnomAD 0.00001; TOPMed 0.00001.
gnomAD v4.1: 6 of 1,537,312 alleles (0.00039%); highest among the groups gnomAD compares: South Asian, 0.0036%; no homozygotes.

Submissions (3):

GeneDx
Classification: Uncertain significance. Last evaluated: 2026-08-16. Review status: criteria provided, single submitter. Criteria: GeneDx Variant Classification Process June 2021. Collection method: clinical testing. Allele origin: germline.
Comment: Not observed at significant frequency in large population cohorts (gnomAD); In silico analysis supports that this missense variant has a deleterious effect on protein structure/function; In silico analysis supports a deleterious effect on splicing; Has not been previously published as pathogenic or benign to our knowledge

Revvity Omics, Revvity
Classification: Uncertain significance. Last evaluated: 2022-05-17. Review status: criteria provided, single submitter. Criteria: ACMG Guidelines, 2015. Collection method: clinical testing. Allele origin: germline.

Labcorp Genetics (formerly Invitae), Labcorp
Classification: Uncertain significance for Developmental and epileptic encephalopathy, 42; Episodic ataxia type 2. Last evaluated: 2021-03-15. Review status: criteria provided, single submitter. Criteria: Invitae Variant Classification Sherloc (09022015). Collection method: clinical testing. Allele origin: germline.
Comment: In summary, the available evidence is currently insufficient to determine the role of this variant in disease. Therefore, it has been classified as a Variant of Uncertain Significance. Advanced modeling of protein sequence and biophysical properties (such as structural, functional, and spatial information, amino acid conservation, physicochemical variation, residue mobility, and thermodynamic stability) performed at Invitae indicates that this missense variant is not expected to disrupt CACNA1A protein function. This variant has not been reported in the literature in individuals with CACNA1A-related conditions. This variant is not present in population databases (ExAC no frequency). This sequence change replaces glycine with arginine at codon 2189 of the CACNA1A protein (p.Gly2189Arg). The glycine residue is moderately conserved and there is a moderate physicochemical difference between glycine and arginine.